The following is an entry in ClinVar:

ClinVar aggregate classification (germline): Likely benign (1 of 4 stars; one submission).

Conditions:
CEP290-related disorder. Also called: CEP290-related condition; CEP290-related disorders. Identifiers: MedGen CN239314.

Submission:

PreventionGenetics, part of Exact Sciences
Classification: Likely benign for CEP290-related condition. Last evaluated: 2025-10-06. Review status: criteria provided, single submitter. Criteria: ACMG Guidelines, 2015. Collection method: clinical testing. Allele origin: germline.
Comment: This variant is classified as likely benign based on ACMG/AMP sequence variant interpretation guidelines (Richards et al. 2015 PMID: 25741868, with internal and published modifications).

NM_025114.4(CEP290):c.2886A>G (p.Leu962=)

Gene: CEP290 (centrosomal protein 290; minus strand). Cytogenetic location: 12q21.32.
Variant type: single nucleotide variant.
Coding change: c.2886A>G on transcript NM_025114.4 (MANE Select); coding-DNA position 2886, A replaced by G.
Protein change: p.Leu962=; no amino-acid change (leucine 962 retained).
Molecular consequence: synonymous variant.
Genome position (GRCh38, 1-based): chr12:88,102,943, T>C on the plus strand (A>G on the coding strand, the complement: CEP290 is on the minus strand). VCF-style: chr12-88102943-T-C. GRCh37 (hg19) VCF-style: chr12-88496720-T-C.
Identifiers: ClinVar variation 4991558 (VCV004991558.1).